The following is an entry in ClinVar:

ClinVar aggregate classification (germline): Pathogenic (1 of 4 stars; one submission).

Conditions:
Abetalipoproteinaemia (ABL). Also called: MTP DEFICIENCY; Abetalipoproteinemia; Abetalipoproteinemia neuropathy; Apolipoprotein B deficiency; Congenital betalipoprotein deficiency syndrome. Identifiers: Orphanet 14, MedGen C0000744, MONDO:0008692, OMIM 200100, HP:0008181.

Submission:

Myriad Genetics, Inc.
Classification: Pathogenic for Abetalipoproteinaemia. Last evaluated: 2024-05-14. Review status: criteria provided, single submitter. Criteria: Myriad Autosomal Dominant, Autosomal Recessive and X-Linked Classification Criteria (2023). Collection method: clinical testing. Allele origin: unknown.
Comment: NM_000253.2(MTTP):c.781_783del3ins19(T261Qfs*26) is expected to be pathogenic in the context of abetalipoproteinemia. This variant is predicted to lead to an abnormal or absent protein product due to the creation of a premature termination codon in MTTP, a gene where loss-of-function variants are known to be pathogenic. Please note: this variant was assessed in the context of healthy population screening.

NM_001386140.1(MTTP):c.781_783delinsCAGATGTGTATAAGAGACA (p.Thr261fs)

Gene: MTTP (microsomal triglyceride transfer protein; plus strand). Cytogenetic location: 4q23.
Variant type: Indel.
Coding change: c.781_783delinsCAGATGTGTATAAGAGACA on transcript NM_001386140.1 (MANE Select); coding-DNA positions 781 to 783, ACC replaced by CAGATGTGTATAAGAGACA.
Protein change: p.Thr261fs; shifts the reading frame from threonine 261.
Molecular consequence: frameshift variant.
Genome position (GRCh38, 1-based): chr4:99,594,755-99,594,757, ACC replaced by CAGATGTGTATAAGAGACA. VCF-style: chr4-99594755-ACC-CAGATGTGTATAAGAGACA. GRCh37 (hg19) VCF-style: chr4-100515912-ACC-CAGATGTGTATAAGAGACA.
Other names: c.781_783delinsCAGATGTGTATAAGAGACA, p.Thr261fs (NM_000253.4); c.532_534delinsCAGATGTGTATAAGAGACA, p.Thr178fs (NM_001300785.2); short protein forms T178fs, T261fs.
Identifiers: ClinVar variation 5010946 (VCV005010946.1).